The following is an entry in ClinVar:

NM_000038.6(APC):c.3029G>A (p.Ser1010Asn)

Gene: APC (APC regulator of Wnt signaling pathway; plus strand). Cytogenetic location: 5q22.2.
Variant type: single nucleotide variant.
Coding change: c.3029G>A on transcript NM_000038.6 (MANE Select); coding-DNA position 3029, G replaced by A.
Protein change: p.Ser1010Asn; replaces serine 1010 with asparagine.
Molecular consequence: missense variant.
Genome position (GRCh38, 1-based): chr5:112,838,623, G>A. VCF-style: chr5-112838623-G-A. GRCh37 (hg19) VCF-style: chr5-112174320-G-A.
Other names: c.3029G>A, p.Ser1010Asn (NM_001127510.3, NM_001354895.2); c.2975G>A, p.Ser992Asn (NM_001127511.3); c.3083G>A, p.Ser1028Asn (NM_001354896.2); c.3059G>A, p.Ser1020Asn (NM_001354897.2); c.2954G>A, p.Ser985Asn (NM_001354898.2); c.2945G>A, p.Ser982Asn (NM_001354899.2); c.2906G>A, p.Ser969Asn (NM_001354900.2); c.2852G>A, p.Ser951Asn (NM_001354901.2); and 5 more; short protein forms S1010N, S992N, S1020N, S884N, S727N, S850N, S919N, S969N.
Identifiers: ClinVar variation 220569 (VCV000220569.22), dbSNP rs864622584, ClinGen allele CA348296.

ClinVar aggregate classification (germline): Uncertain significance. Review status: criteria provided, multiple submitters, no conflicts (2 of 4 stars). 6 submissions from 6 submitters: Uncertain significance (6). Last evaluated 2025-08-11.

Conditions:
Classic or attenuated familial adenomatous polyposis. Identifiers: MedGen CN372698, MONDO:0021057.
Hereditary cancer-predisposing syndrome. Also called: Hereditary neoplastic syndrome; Tumor predisposition; Hereditary Cancer Syndrome; Neoplastic Syndromes, Hereditary. Identifiers: Orphanet 140162, MedGen C0027672, MeSH D009386, MONDO:0015356.
Familial adenomatous polyposis 1 (FAP1). Also called: FAMILIAL ADENOMATOUS POLYPOSIS 1, ATTENUATED; POLYPOSIS, ADENOMATOUS INTESTINAL. Identifiers: MedGen C2713442, MONDO:0021056, OMIM 175100. Disease mechanism: loss of function.

Allele frequency attached by ClinVar (database versions not stated): gnomAD exomes below 0.00001.
gnomAD v4.1: 2 of 1,614,078 alleles (0.00012%); highest among the groups gnomAD compares: East Asian, 0.0022%; no homozygotes.

Submissions (6):

Labcorp Genetics (formerly Invitae), Labcorp
Classification: Uncertain significance for Familial adenomatous polyposis 1. Last evaluated: 2025-08-11. Review status: criteria provided, single submitter. Criteria: Invitae Variant Classification Sherloc (09022015). Collection method: clinical testing. Allele origin: germline.
Comment: This sequence change replaces serine, which is neutral and polar, with asparagine, which is neutral and polar, at codon 1010 of the APC protein (p.Ser1010Asn). This variant is not present in population databases (gnomAD no frequency). This missense change has been observed in individual(s) with colorectal adenomas (PMID: 14999774). ClinVar contains an entry for this variant (Variation ID: 220569). Invitae Evidence Modeling of protein sequence and biophysical properties (such as structural, functional, and spatial information, amino acid conservation, physicochemical variation, residue mobility, and thermodynamic stability) indicates that this missense variant is not expected to disrupt APC protein function with a negative predictive value of 95%. In summary, the available evidence is currently insufficient to determine the role of this variant in disease. Therefore, it has been classified as a Variant of Uncertain Significance.

Ambry Genetics
Classification: Uncertain significance for Hereditary cancer-predisposing syndrome. Last evaluated: 2025-05-29. Review status: criteria provided, single submitter. Criteria: Ambry Variant Classification Scheme 2023. Collection method: clinical testing. Allele origin: germline.
Comment: The p.S1010N variant (also known as c.3029G>A), located in coding exon 15 of the APC gene, results from a G to A substitution at nucleotide position 3029. The serine at codon 1010 is replaced by asparagine, an amino acid with highly similar properties. This amino acid position is highly conserved in available vertebrate species. In addition, in silico predictors for this gene do not accurately predict pathogenicity. Missense alterations in APC are not a common cause of disease (Spier I et al. Genet Med. 2024 Feb;26(2):100992). Based on the available evidence, the clinical significance of this variant remains unclear.

All of Us Research Program, National Institutes of Health
Classification: Uncertain significance for Classic or attenuated familial adenomatous polyposis. Last evaluated: 2024-04-16. Review status: criteria provided, single submitter. Criteria: ACMG Guidelines, 2015. Collection method: clinical testing. Allele origin: germline. Inheritance: Autosomal dominant inheritance. Observed: 2 variant alleles, 2 heterozygotes.
Comment: This missense variant replaces serine with asparagine at codon 1010 of the APC protein. Computational prediction suggests that this variant may not impact protein structure and function (internally defined REVEL score threshold <= 0.5, PMID: 27666373). To our knowledge, functional studies have not been reported for this variant. This variant has not been reported in individuals affected with colorectal adenomas (PMID: 14999774). This variant has not been identified in the general population by the Genome Aggregation Database (gnomAD). The available evidence is insufficient to determine the role of this variant in disease conclusively. Therefore, this variant is classified as a Variant of Uncertain Significance.

This study involves interpretation of variants in research participants for the purpose of population health screening. Participant phenotype was not available at the time of variant classification. Additional details can be found in publication PMID: 35346344, PMCID: PMC8962531

Color Diagnostics, LLC DBA Color Health
Classification: Uncertain significance for Hereditary cancer-predisposing syndrome. Last evaluated: 2024-04-03. Review status: criteria provided, single submitter. Criteria: ACMG Guidelines, 2015. Collection method: clinical testing. Allele origin: germline.
Comment: This missense variant replaces serine with asparagine at codon 1010 of the APC protein. Computational prediction suggests that this variant may not impact protein structure and function. To our knowledge, functional studies have not been reported for this variant. This variant has been reported in an individual affected with colorectal adenomas (PMID: 14999774). This variant has not been identified in the general population by the Genome Aggregation Database (gnomAD). The available evidence is insufficient to determine the role of this variant in disease conclusively. Therefore, this variant is classified as a Variant of Uncertain Significance.

Baylor Genetics
Classification: Uncertain significance for Familial adenomatous polyposis 1. Last evaluated: 2023-08-01. Review status: criteria provided, single submitter. Criteria: ACMG Guidelines, 2015. Collection method: clinical testing. Allele origin: unknown.

Mendelics
Classification: Uncertain significance for Familial adenomatous polyposis 1. Last evaluated: 2018-07-02. Review status: criteria provided, single submitter. Criteria: Mendelics Assertion Criteria 2017. Collection method: clinical testing. Allele origin: unknown.

Literature cited by the submitters: PubMed 14999774 (cited by 4 submitters).